The following is an entry in ClinVar:

NM_024753.5(TTC21B):c.1552T>C (p.Cys518Arg)

Gene: TTC21B (tetratricopeptide repeat domain 21B; minus strand). Cytogenetic location: 2q24.3.
Variant type: single nucleotide variant.
Coding change: c.1552T>C on transcript NM_024753.5 (MANE Select); coding-DNA position 1552, T replaced by C.
Protein change: p.Cys518Arg; replaces cysteine 518 with arginine.
Molecular consequence: missense variant.
Genome position (GRCh38, 1-based): chr2:165,919,398, A>G on the plus strand (T>C on the coding strand, the complement: TTC21B is on the minus strand). VCF-style: chr2-165919398-A-G. GRCh37 (hg19) VCF-style: chr2-166775908-A-G.
Other names: short protein forms C518R.
Identifiers: ClinVar variation 1077011 (VCV001077011.1), dbSNP rs1378821369, ClinGen allele CA349061148.

ClinVar aggregate classification (germline): Uncertain significance (1 of 4 stars; one submission).

Conditions:
Nephronophthisis 12 (NPHP12). Identifiers: Orphanet 655, MedGen C3151186, MONDO:0013442, OMIM 613820.

Allele frequency attached by ClinVar (database versions not stated): gnomAD 0.00001; TOPMed 0.00001.
gnomAD v4.1: 1 of 1,613,996 alleles (0.000062%); highest among the groups gnomAD compares: East Asian, 0.0022%; no homozygotes.

Submission:

Precision Medicine Center, Zhengzhou University
Classification: Uncertain significance for Nephronophthisis 12. Review status: criteria provided, single submitter. Criteria: ACMG Guidelines, 2015. Collection method: research. Allele origin: germline. Affected: yes.
Comment: PM2:not found in gnomAD PM3:detected in trans with a pathogenic variant PP3:Multiple lines of computational evidence support a deleterious effect on the gene or gene product